The following is an entry in ClinVar:

ClinVar aggregate classification (germline): Uncertain significance (1 of 4 stars; one submission).

Allele frequency attached by ClinVar (database versions not stated): gnomAD exomes below 0.00001.
gnomAD v4.1: 1 of 1,613,088 alleles (0.000062%); highest among the groups gnomAD compares: Admixed American, 0.0017%; no homozygotes.

Submission:

Labcorp Genetics (formerly Invitae), Labcorp
Classification: Uncertain significance. Last evaluated: 2021-10-08. Review status: criteria provided, single submitter. Criteria: Invitae Variant Classification Sherloc (09022015). Collection method: clinical testing. Allele origin: germline.
Comment: This sequence change replaces aspartic acid with glutamic acid at codon 233 of the NECTIN1 protein (p.Asp233Glu). The aspartic acid residue is moderately conserved and there is a small physicochemical difference between aspartic acid and glutamic acid. This variant is not present in population databases (ExAC no frequency). In summary, the available evidence is currently insufficient to determine the role of this variant in disease. Therefore, it has been classified as a Variant of Uncertain Significance. Algorithms developed to predict the effect of missense changes on protein structure and function (SIFT, PolyPhen-2, Align-GVGD) all suggest that this variant is likely to be tolerated. This variant has not been reported in the literature in individuals affected with NECTIN1-related conditions.

NM_002855.5(NECTIN1):c.699C>G (p.Asp233Glu)

Gene: NECTIN1 (nectin cell adhesion molecule 1; minus strand). Cytogenetic location: 11q23.3.
Variant type: single nucleotide variant.
Coding change: c.699C>G on transcript NM_002855.5 (MANE Select); coding-DNA position 699, C replaced by G.
Protein change: p.Asp233Glu; replaces aspartic acid 233 with glutamic acid.
Molecular consequence: missense variant.
Genome position (GRCh38, 1-based): chr11:119,677,589, G>C on the plus strand (C>G on the coding strand, the complement: NECTIN1 is on the minus strand). VCF-style: chr11-119677589-G-C. GRCh37 (hg19) VCF-style: chr11-119548299-G-C.
Other names: c.699C>G, p.Asp233Glu (NM_203285.2, NM_203286.2); short protein forms D233E.
Identifiers: ClinVar variation 1506336 (VCV001506336.6), dbSNP rs1163138049, ClinGen allele CA383281739.